The following is an entry in ClinVar:

ClinVar aggregate classification (germline): Uncertain significance (1 of 4 stars; one submission).

Conditions:
Hereditary diffuse gastric adenocarcinoma (HDGC). Also called: DIFFUSE GASTRIC AND LOBULAR BREAST CANCER SYNDROME. Identifiers: Orphanet 26106, MedGen C1708349, MONDO:0007648, OMIM 137215.

Submission:

Labcorp Genetics (formerly Invitae), Labcorp
Classification: Uncertain significance for Hereditary diffuse gastric adenocarcinoma. Last evaluated: 2022-03-12. Review status: criteria provided, single submitter. Criteria: Invitae Variant Classification Sherloc (09022015). Collection method: clinical testing. Allele origin: germline.
Comment: This sequence change replaces asparagine, which is neutral and polar, with histidine, which is basic and polar, at codon 369 of the CDH1 protein (p.Asn369His). In summary, the available evidence is currently insufficient to determine the role of this variant in disease. Therefore, it has been classified as a Variant of Uncertain Significance. Algorithms developed to predict the effect of missense changes on protein structure and function (SIFT, PolyPhen-2, Align-GVGD) all suggest that this variant is likely to be disruptive. This variant has not been reported in the literature in individuals affected with CDH1-related conditions. This variant is not present in population databases (gnomAD no frequency).

NM_004360.5(CDH1):c.1105A>C (p.Asn369His)

Gene: CDH1 (cadherin 1; plus strand). Cytogenetic location: 16q22.1.
Variant type: single nucleotide variant.
Coding change: c.1105A>C on transcript NM_004360.5 (MANE Select); coding-DNA position 1105, A replaced by C.
Protein change: p.Asn369His; replaces asparagine 369 with histidine.
Molecular consequence: missense variant. On other transcripts: 5 prime UTR variant (2).
Genome position (GRCh38, 1-based): chr16:68,812,231, A>C. VCF-style: chr16-68812231-A-C. GRCh37 (hg19) VCF-style: chr16-68846134-A-C.
Other names: c.1105A>C, p.Asn369His (NM_001317184.2); c.-511A>C (NM_001317185.2); c.-715A>C (NM_001317186.2); short protein forms N369H.
Identifiers: ClinVar variation 1918813 (VCV001918813.5), dbSNP rs2152132670, ClinGen allele CA396460145.